The following is an entry in ClinVar:

ClinVar aggregate classification (germline): Uncertain significance. Review status: criteria provided, multiple submitters, no conflicts (2 of 4 stars). 2 submissions from 2 submitters: Uncertain significance (2). Last evaluated 2025-08-24.

Conditions:
Joubert syndrome 21 (JBTS21). Identifiers: MedGen C3810212, MONDO:0014288, OMIM 615636.
Inborn genetic diseases. Identifiers: MedGen C0950123, MeSH D030342.

Allele frequency attached by ClinVar (database versions not stated): gnomAD 0.00001; gnomAD exomes 0.00001.
gnomAD v4.1: 8 of 1,613,532 alleles (0.0005%); highest among the groups gnomAD compares: Non-Finnish European, 0.00034%; no homozygotes.

Submissions (2):

Ambry Genetics
Classification: Uncertain significance for Inborn genetic diseases. Last evaluated: 2025-08-24. Review status: criteria provided, single submitter. Criteria: Ambry Variant Classification Scheme 2023. Collection method: clinical testing. Allele origin: germline.

Labcorp Genetics (formerly Invitae), Labcorp
Classification: Uncertain significance for Joubert syndrome 21. Last evaluated: 2022-06-23. Review status: criteria provided, single submitter. Criteria: Invitae Variant Classification Sherloc (09022015). Collection method: clinical testing. Allele origin: germline.
Comment: Algorithms developed to predict the effect of missense changes on protein structure and function are either unavailable or do not agree on the potential impact of this missense change (SIFT: "Deleterious"; PolyPhen-2: "Probably Damaging"; Align-GVGD: "Class C0"). In summary, the available evidence is currently insufficient to determine the role of this variant in disease. Therefore, it has been classified as a Variant of Uncertain Significance. This variant has not been reported in the literature in individuals affected with CSPP1-related conditions. This variant is present in population databases (no rsID available, gnomAD 0.02%). This sequence change replaces glutamic acid, which is acidic and polar, with glycine, which is neutral and non-polar, at codon 222 of the CSPP1 protein (p.Glu222Gly).

NM_001382391.1(CSPP1):c.638A>G (p.Glu213Gly)

Gene: CSPP1 (centrosome and spindle pole associated protein 1; plus strand). Cytogenetic location: 8q13.1.
Variant type: single nucleotide variant.
Coding change: c.638A>G on transcript NM_001382391.1 (MANE Select); coding-DNA position 638, A replaced by G.
Protein change: p.Glu213Gly; replaces glutamic acid 213 with glycine.
Molecular consequence: missense variant. On other transcripts: 5 prime UTR variant (1).
Genome position (GRCh38, 1-based): chr8:67,095,447, A>G. VCF-style: chr8-67095447-A-G. GRCh37 (hg19) VCF-style: chr8-68007682-A-G.
Other names: c.-218A>G (NM_001291339.2); c.557A>G, p.Glu186Gly (NM_001363131.2, NM_001363133.2); c.638A>G, p.Glu213Gly (NM_001363132.2); c.746A>G, p.Glu249Gly (NM_001364869.1); c.665A>G, p.Glu222Gly (NM_001364870.1, NM_024790.7); short protein forms E222G, E249G, E186G, E213G.
Identifiers: ClinVar variation 2009833 (VCV002009833.5), dbSNP rs1211850762, ClinGen allele CA371190703.
Genomic context (GRCh38, chr8:67,095,447, plus strand): 5'-GAAAAGATGTCTTAACTCCTTCAGAGGCATATGAAGAACTTCTGAACCAAAGACGACTAG[A>G]GGAGGACAGATACCGACAACTAGATGATGAAATCGAATTAAGGAATAGAAGAATTATTAA-3'
Protein context (NP_001369320.1, residues 203-223): YEELLNQRRL[Glu213Gly]EDRYRQLDDE